The following is an entry in ClinVar:

ClinVar aggregate classification (germline): Uncertain significance (1 of 4 stars; one submission).

Conditions:
Senior-Loken syndrome 7 (SLSN7). Identifiers: Orphanet 3156, MedGen C3150877, MONDO:0013326, OMIM 613615.
Bardet-Biedl syndrome 16 (BBS16). Identifiers: Orphanet 110, MedGen C3889474, MONDO:0014444, OMIM 615993.

Submission:

Labcorp Genetics (formerly Invitae), Labcorp
Classification: Uncertain significance for Bardet-Biedl syndrome 16; Senior-Loken syndrome 7. Last evaluated: 2021-07-08. Review status: criteria provided, single submitter. Criteria: Invitae Variant Classification Sherloc (09022015). Collection method: clinical testing. Allele origin: germline.
Comment: This sequence change replaces glutamine with proline at codon 125 of the SDCCAG8 protein (p.Gln125Pro). The glutamine residue is highly conserved and there is a moderate physicochemical difference between glutamine and proline. This variant is not present in population databases (ExAC no frequency). In summary, the available evidence is currently insufficient to determine the role of this variant in disease. Therefore, it has been classified as a Variant of Uncertain Significance. Algorithms developed to predict the effect of missense changes on protein structure and function are either unavailable or do not agree on the potential impact of this missense change (SIFT: "Deleterious"; PolyPhen-2: "Probably Damaging"; Align-GVGD: "Class C0"). This variant has not been reported in the literature in individuals affected with SDCCAG8-related conditions.

NM_006642.5(SDCCAG8):c.374A>C (p.Gln125Pro)

Gene: SDCCAG8 (SHH signaling and ciliogenesis regulator SDCCAG8; plus strand). Cytogenetic location: 1q43.
Variant type: single nucleotide variant.
Coding change: c.374A>C on transcript NM_006642.5 (MANE Select); coding-DNA position 374, A replaced by C.
Protein change: p.Gln125Pro; replaces glutamine 125 with proline.
Molecular consequence: missense variant. On other transcripts: 5 prime UTR variant (3).
Genome position (GRCh38, 1-based): chr1:243,274,610, A>C. VCF-style: chr1-243274610-A-C. GRCh37 (hg19) VCF-style: chr1-243437912-A-C.
Other names: c.-739A>C (NM_001350246.2); c.-627A>C (NM_001350247.2); c.374A>C, p.Gln125Pro (NM_001350248.2); c.80A>C, p.Gln27Pro (NM_001350249.2); c.-1000A>C (NM_001350251.2); short protein forms Q125P, Q27P.
Identifiers: ClinVar variation 1426418 (VCV001426418.8), dbSNP rs2149268706, ClinGen allele CA345477008.